The following is an entry in ClinVar:

NC_000004.11:g.(?_123977522)_(123978463_?)dup

Gene: AFG2A (AFG2 AAA ATPase homolog A; plus strand). Cytogenetic location: 4q28.1.
Variant type: Duplication.
Identifiers: ClinVar variation 2427329 (VCV002427329.5).

ClinVar aggregate classification (germline): Likely pathogenic (1 of 4 stars; one submission).

Conditions:
Microcephaly-intellectual disability-sensorineural hearing loss-epilepsy-abnormal muscle tone syndrome (NEDHSB). Also called: NEURODEVELOPMENTAL DISORDER WITH HEARING LOSS, SEIZURES, AND BRAIN ABNORMALITIES. Identifiers: Orphanet 457351, MedGen C4225276, MONDO:0014698, OMIM 616577.

Submission:

Labcorp Genetics (formerly Invitae), Labcorp
Classification: Likely pathogenic for Microcephaly-intellectual disability-sensorineural hearing loss-epilepsy-abnormal muscle tone syndrome. Last evaluated: 2022-03-09. Review status: criteria provided, single submitter. Criteria: Invitae Variant Classification Sherloc (09022015). Collection method: clinical testing. Allele origin: germline.
Comment: This variant results in a copy number gain of the genomic region encompassing exon(s) 12-13 of the SPATA5 gene. While the exact position of this variant cannot be determined from the data, sub-genic copy number gains are generally in tandem (PMID: 25640679). This variant is predicted to be out-of-frame, and may result in an absent or disrupted protein product. Loss-of-function variants in SPATA5 are known to be pathogenic (PMID: 26299366). This variant has not been reported in the literature in individuals affected with SPATA5-related conditions. In summary, the currently available evidence indicates that the variant is pathogenic, but additional data are needed to prove that conclusively. Therefore, this variant has been classified as Likely Pathogenic.

Literature cited by the submitters: PubMed 25640679; PubMed 26299366.